The following is an entry in ClinVar:

ClinVar aggregate classification (germline): Likely benign. Review status: criteria provided, multiple submitters, no conflicts (2 of 4 stars). 5 submissions from 5 submitters: Likely benign (5). Last evaluated 2025-10-22.

Conditions:
Inborn genetic diseases. Identifiers: MedGen C0950123, MeSH D030342.
Hereditary spastic paraplegia 11. Also called: SPASTIC PARAPLEGIA, AUTOSOMAL RECESSIVE, COMPLICATED, WITH THIN CORPUS CALLOSUM; SPASTIC PARAPLEGIA, AUTOSOMAL RECESSIVE, WITH MENTAL IMPAIRMENT AND THIN CORPUS CALLOSUM; Spastic Paraplegia 11; Nakamura Osame syndrome; Autosomal recessive hereditary spastic paraplegia, mental impairment, and thin corpus callosum; Spastic paraplegia, mental retardation and thin corpus callosum. Identifiers: Orphanet 2822, MedGen C1858479, MONDO:0011445, OMIM 604360.

Allele frequency attached by ClinVar (database versions not stated): gnomAD exomes 0.00001; TOPMed 0.00002.
gnomAD v4.1: 3 of 1,614,072 alleles (0.00019%); highest among the groups gnomAD compares: Non-Finnish European, 0.00025%; no homozygotes.

Submissions (5):

Mayo Clinic Laboratories, Mayo Clinic
Classification: Likely benign. Last evaluated: 2025-10-22. Review status: criteria provided, single submitter. Criteria: ACMG Guidelines, 2015. Collection method: clinical testing. Allele origin: germline. Observed: 2 variant alleles.
Comment: BP4, BP7

Labcorp Genetics (formerly Invitae), Labcorp
Classification: Likely benign for Hereditary spastic paraplegia 11. Last evaluated: 2024-11-06. Review status: criteria provided, single submitter. Criteria: Invitae Variant Classification Sherloc (09022015). Collection method: clinical testing. Allele origin: germline.

Blueprint Genetics
Classification: Likely benign. Last evaluated: 2022-06-17. Review status: criteria provided, single submitter. Criteria: ACMG Guidelines, 2015. Collection method: clinical testing. Allele origin: germline.

Ambry Genetics
Classification: Likely benign for Inborn genetic diseases. Last evaluated: 2019-07-11. Review status: criteria provided, single submitter. Criteria: Ambry Variant Classification Scheme 2023. Collection method: clinical testing. Allele origin: germline.

Breakthrough Genomics
Classification: Likely benign. Review status: criteria provided, single submitter. Criteria: ACMG Guidelines, 2015. Collection method: not provided. Allele origin: germline. Inheritance: Autosomal recessive inheritance. Affected: yes.

NM_025137.4(SPG11):c.5769T>C (p.Ser1923=)

Gene: SPG11 (SPG11 vesicle trafficking associated, spatacsin; minus strand). Cytogenetic location: 15q21.1.
Variant type: single nucleotide variant.
Coding change: c.5769T>C on transcript NM_025137.4 (MANE Select); coding-DNA position 5769, T replaced by C.
Protein change: p.Ser1923=; no amino-acid change (serine 1923 retained).
Molecular consequence: synonymous variant.
Genome position (GRCh38, 1-based): chr15:44,583,911, A>G on the plus strand (T>C on the coding strand, the complement: SPG11 is on the minus strand). VCF-style: chr15-44583911-A-G. GRCh37 (hg19) VCF-style: chr15-44876109-A-G.
Other names: p.Ser1923=; c.5769T>C, p.Ser1923= (NM_001160227.2).
Identifiers: ClinVar variation 534892 (VCV000534892.13), dbSNP rs1313485862, ClinGen allele CA490329533.